The following is an entry in ClinVar:

ClinVar aggregate classification (germline): Pathogenic/Likely pathogenic. Review status: criteria provided, multiple submitters, no conflicts (2 of 4 stars). 2 submissions from 2 submitters: Pathogenic (1); Likely pathogenic (1). Last evaluated 2024-02-25.

Conditions:
Mitochondrial complex I deficiency, nuclear type 16. Also called: Mitochondrial complex 1 deficiency, nuclear type 16. Identifiers: MedGen C4748785, MONDO:0032621, OMIM 618238.

Allele frequency attached by ClinVar (database versions not stated): gnomAD exomes below 0.00001; TOPMed below 0.00001; gnomAD 0.00001.
gnomAD v4.1: 2 of 1,610,852 alleles (0.00012%); highest among the groups gnomAD compares: Non-Finnish European, 0.00017%; no homozygotes.

Submissions (2):

Labcorp Genetics (formerly Invitae), Labcorp
Classification: Pathogenic. Last evaluated: 2024-02-25. Review status: criteria provided, single submitter. Criteria: Invitae Variant Classification Sherloc (09022015). Collection method: clinical testing. Allele origin: germline.
Comment: This sequence change creates a premature translational stop signal (p.Trp163*) in the NDUFAF5 gene. It is expected to result in an absent or disrupted protein product. Loss-of-function variants in NDUFAF5 are known to be pathogenic (PMID: 26275793, 30473481, 32918965). This variant is not present in population databases (gnomAD no frequency). This variant has not been reported in the literature in individuals affected with NDUFAF5-related conditions. For these reasons, this variant has been classified as Pathogenic.

Baylor Genetics
Classification: Likely pathogenic for Mitochondrial complex I deficiency, nuclear type 16. Last evaluated: 2023-03-09. Review status: criteria provided, single submitter. Criteria: ACMG Guidelines, 2015. Collection method: clinical testing. Allele origin: unknown.

Literature cited by the submitters: PubMed 26275793 (cited by Labcorp Genetics (formerly Invitae), Labcorp); PubMed 30473481 (cited by Labcorp Genetics (formerly Invitae), Labcorp); PubMed 32918965 (cited by Labcorp Genetics (formerly Invitae), Labcorp).

NM_024120.5(NDUFAF5):c.489G>A (p.Trp163Ter)

Gene: NDUFAF5 (NADH:ubiquinone oxidoreductase complex assembly factor 5; plus strand). Cytogenetic location: 20p12.1.
Variant type: single nucleotide variant.
Coding change: c.489G>A on transcript NM_024120.5 (MANE Select); coding-DNA position 489, G replaced by A.
Protein change: p.Trp163Ter; replaces tryptophan 163 with a stop codon.
Molecular consequence: nonsense. On other transcripts: 5 prime UTR variant (2), non-coding transcript variant (7).
Genome position (GRCh38, 1-based): chr20:13,798,470, G>A. VCF-style: chr20-13798470-G-A. GRCh37 (hg19) VCF-style: chr20-13779116-G-A.
Other names: c.405G>A, p.Trp135Ter (NM_001039375.3); c.18G>A, p.Trp6Ter (NM_001352403.2); c.-73G>A (NM_001352406.2, NM_001352407.2); c.489G>A, p.Trp163Ter (NM_001352408.2); short protein forms W135*, W163*, W6*.
Identifiers: ClinVar variation 2676980 (VCV002676980.4), dbSNP rs1568760224, ClinGen allele CA408270191.